The following is an entry in ClinVar:

ClinVar aggregate classification (germline): Uncertain significance. Review status: criteria provided, multiple submitters, no conflicts (2 of 4 stars). 2 submissions from 2 submitters: Uncertain significance (2). Last evaluated 2022-06-27.

Conditions:
Deficiency of alpha-mannosidase (MANSA). Also called: LYSOSOMAL ALPHA-D-MANNOSIDASE DEFICIENCY; Alpha-Mannosidosis; Mannosidosis, alpha-, types I and II. Identifiers: Orphanet 61, MedGen C0024748, MONDO:0009561, OMIM 248500.

Allele frequency attached by ClinVar (database versions not stated): TOPMed 0.00003; ExAC 0.00004; ESP Exome Variant Server 0.00008; gnomAD exomes 0.00008.
gnomAD v4.1: 63 of 1,613,288 alleles (0.0039%); highest among the groups gnomAD compares: East Asian, 0.0045%; no homozygotes.

Submissions (2):

Labcorp Genetics (formerly Invitae), Labcorp
Classification: Uncertain significance for Deficiency of alpha-mannosidase. Last evaluated: 2022-06-27. Review status: criteria provided, single submitter. Criteria: Invitae Variant Classification Sherloc (09022015). Collection method: clinical testing. Allele origin: germline.
Comment: This sequence change replaces arginine, which is basic and polar, with tryptophan, which is neutral and slightly polar, at codon 781 of the MAN2B1 protein (p.Arg781Trp). This variant is present in population databases (rs201600797, gnomAD 0.1%). This variant has not been reported in the literature in individuals affected with MAN2B1-related conditions. ClinVar contains an entry for this variant (Variation ID: 892333). Algorithms developed to predict the effect of missense changes on protein structure and function are either unavailable or do not agree on the potential impact of this missense change (SIFT: "Deleterious"; PolyPhen-2: "Probably Damaging"; Align-GVGD: "Class C0"). In summary, the available evidence is currently insufficient to determine the role of this variant in disease. Therefore, it has been classified as a Variant of Uncertain Significance.

Illumina Laboratory Services, Illumina
Classification: Uncertain significance for Deficiency of alpha-mannosidase. Last evaluated: 2018-01-13. Review status: criteria provided, single submitter. Criteria: ICSL Variant Classification Criteria 13 December 2019. Collection method: clinical testing. Allele origin: germline.

NM_000528.4(MAN2B1):c.2341C>T (p.Arg781Trp)

Gene: MAN2B1 (mannosidase alpha class 2B member 1; minus strand). Cytogenetic location: 19p13.13.
Variant type: single nucleotide variant.
Coding change: c.2341C>T on transcript NM_000528.4 (MANE Select); coding-DNA position 2341, C replaced by T.
Protein change: p.Arg781Trp; replaces arginine 781 with tryptophan.
Molecular consequence: missense variant.
Genome position (GRCh38, 1-based): chr19:12,649,355, G>A on the plus strand (C>T on the coding strand, the complement: MAN2B1 is on the minus strand). VCF-style: chr19-12649355-G-A. GRCh37 (hg19) VCF-style: chr19-12760169-G-A.
Other names: c.2338C>T, p.Arg780Trp (NM_001173498.2); short protein forms R781W, R780W.
Identifiers: ClinVar variation 892333 (VCV000892333.5), dbSNP rs201600797, ClinGen allele CA9226076.